The following is an entry in ClinVar:

NM_006087.4(TUBB4A):c.741C>G (p.Asn247Lys)

Gene: TUBB4A (tubulin beta 4A class IVa; minus strand). Cytogenetic location: 19p13.3.
Variant type: single nucleotide variant.
Coding change: c.741C>G on transcript NM_006087.4 (MANE Select); coding-DNA position 741, C replaced by G.
Protein change: p.Asn247Lys; replaces asparagine 247 with lysine.
Molecular consequence: missense variant.
Genome position (GRCh38, 1-based): chr19:6,495,758, G>C on the plus strand (C>G on the coding strand, the complement: TUBB4A is on the minus strand). VCF-style: chr19-6495758-G-C. GRCh37 (hg19) VCF-style: chr19-6495769-G-C.
Other names: c.894C>G, p.Asn298Lys (NM_001289123.2); c.876C>G, p.Asn292Lys (NM_001289127.2); c.741C>G, p.Asn247Lys (NM_001289129.2); c.525C>G, p.Asn175Lys (NM_001289130.2, NM_001289131.2); short protein forms N175K, N247K, N292K, N298K.
Identifiers: ClinVar variation 3369842 (VCV003369842.1).
Genomic context (GRCh38, chr19:6,495,758, plus strand): 5'-CATGAAGAAGTGCAGGCGAGGAAAGGGAACCATGTTGACGGCCAGCTTGCGCAGGTCGGC[G>C]TTCAGCTGGCCCGGGAAGCGCAGGCAGGTGGTGACCCCGCTCATGGTGGCCGACACCAGG-3'
Protein context (NP_006078.2, residues 237-257): TTCLRFPGQL[Asn247Lys]ADLRKLAVNM

ClinVar aggregate classification (germline): Uncertain significance (1 of 4 stars; one submission).

Submission:

GeneDx
Classification: Uncertain significance. Last evaluated: 2024-02-28. Review status: criteria provided, single submitter. Criteria: GeneDx Variant Classification Process June 2021. Collection method: clinical testing. Allele origin: germline. Affected: yes.
Comment: Not observed at significant frequency in large population cohorts (gnomAD); In silico analysis supports that this missense variant has a deleterious effect on protein structure/function; Has not been previously published as pathogenic or benign to our knowledge